The following is an entry in ClinVar:

ClinVar aggregate classification (germline): Uncertain significance (1 of 4 stars; one submission).

Conditions:
Marfan syndrome (MFS). Also called: MARFAN SYNDROME, TYPE I; Marfan syndrome type 1; Marfan's syndrome; FBN1-Related Marfan Syndrome; Marfan syndrome, classic. Identifiers: Orphanet 284963, Orphanet 558, MedGen C0024796, MONDO:0007947, OMIM 154700.

Submission:

All of Us Research Program, National Institutes of Health
Classification: Uncertain significance for Marfan syndrome. Last evaluated: 2024-04-25. Review status: criteria provided, single submitter. Criteria: ACMG Guidelines, 2015. Collection method: clinical testing. Allele origin: germline. Inheritance: Autosomal dominant inheritance. Observed: 1 variant allele, 1 heterozygote.
Comment: This missense variant replaces isoleucine with valine at codon 1474 of the FBN1 protein. Computational prediction suggests that this variant may not impact protein structure and function (internally defined REVEL score threshold <= 0.5, PMID: 27666373). To our knowledge, functional studies have not been reported for this variant. This variant has not been reported in individuals affected with FBN1-related disorders in the literature. This variant has not been identified in the general population by the Genome Aggregation Database (gnomAD). The available evidence is insufficient to determine the role of this variant in disease conclusively. Therefore, this variant is classified as a Variant of Uncertain Significance.

This study involves interpretation of variants in research participants for the purpose of population health screening. Participant phenotype was not available at the time of variant classification. Additional details can be found in publication PMID: 35346344, PMCID: PMC8962531

NM_000138.5(FBN1):c.4420A>G (p.Ile1474Val)

Gene: FBN1 (fibrillin 1; minus strand). Cytogenetic location: 15q21.1.
Variant type: single nucleotide variant.
Coding change: c.4420A>G on transcript NM_000138.5 (MANE Select); coding-DNA position 4420, A replaced by G.
Protein change: p.Ile1474Val; replaces isoleucine 1474 with valine.
Molecular consequence: missense variant.
Genome position (GRCh38, 1-based): chr15:48,470,673, T>C on the plus strand (A>G on the coding strand, the complement: FBN1 is on the minus strand). VCF-style: chr15-48470673-T-C. GRCh37 (hg19) VCF-style: chr15-48762870-T-C.
Other names: c.4420A>G, p.Ile1474Val (NM_001406716.1); short protein forms I1474V.
Identifiers: ClinVar variation 3386798 (VCV003386798.1).